The following is an entry in ClinVar:

NM_000387.6(SLC25A20):c.720A>G (p.Ala240=)

Gene: SLC25A20 (solute carrier family 25 member 20; minus strand). Cytogenetic location: 3p21.31.
Variant type: single nucleotide variant.
Coding change: c.720A>G on transcript NM_000387.6 (MANE Select); coding-DNA position 720, A replaced by G.
Protein change: p.Ala240=; no amino-acid change (alanine 240 retained).
Molecular consequence: synonymous variant.
Genome position (GRCh38, 1-based): chr3:48,858,630, T>C on the plus strand (A>G on the coding strand, the complement: SLC25A20 is on the minus strand). VCF-style: chr3-48858630-T-C. GRCh37 (hg19) VCF-style: chr3-48896063-T-C.
Identifiers: ClinVar variation 378588 (VCV000378588.14), dbSNP rs142417191, ClinGen allele CA2387297.

ClinVar aggregate classification (germline): Likely benign. Review status: criteria provided, multiple submitters, no conflicts (2 of 4 stars). 5 submissions from 5 submitters: Likely benign (5). Last evaluated 2026-01-28.

Conditions:
SLC25A20-related disorder. Also called: SLC25A20-related condition.
Carnitine acylcarnitine translocase deficiency (CACTD). Identifiers: Orphanet 159, MedGen C0342791, MONDO:0008918, OMIM 212138.

Allele frequency attached by ClinVar (database versions not stated): gnomAD 0.00031 and 0.00033; TOPMed 0.00033; 1000 Genomes Project 30x 0.00094; 1000 Genomes Project 0.00120; gnomAD exomes 0.00007 and 0.00018; ExAC 0.00018; ESP Exome Variant Server 0.00023.
gnomAD v4.1: 172 of 1,613,902 alleles (0.011%); highest among the groups gnomAD compares: African/African-American, 0.12%; 1 homozygote.

Submissions (5):

Labcorp Genetics (formerly Invitae), Labcorp
Classification: Likely benign for Carnitine acylcarnitine translocase deficiency. Last evaluated: 2026-01-28. Review status: criteria provided, single submitter. Criteria: Invitae Variant Classification Sherloc (09022015). Collection method: clinical testing. Allele origin: germline.

PreventionGenetics, part of Exact Sciences
Classification: Likely benign for SLC25A20-related condition. Last evaluated: 2025-12-11. Review status: criteria provided, single submitter. Criteria: ACMG Guidelines, 2015. Collection method: clinical testing. Allele origin: germline.
Comment: This variant is classified as likely benign based on ACMG/AMP sequence variant interpretation guidelines (Richards et al. 2015 PMID: 25741868, with internal and published modifications).

Blueprint Genetics
Classification: Likely benign. Last evaluated: 2024-10-18. Review status: criteria provided, single submitter. Criteria: ACMG Guidelines, 2015. Collection method: clinical testing. Allele origin: germline.

GeneDx
Classification: Likely benign. Last evaluated: 2016-03-25. Review status: criteria provided, single submitter. Criteria: GeneDx Variant Classification (06012015). Collection method: clinical testing. Allele origin: germline. Affected: yes.
Comment: This variant is considered likely benign or benign based on one or more of the following criteria: it is a conservative change, it occurs at a poorly conserved position in the protein, it is predicted to be benign by multiple in silico algorithms, and/or has population frequency not consistent with disease.

Breakthrough Genomics
Classification: Likely benign. Review status: criteria provided, single submitter. Criteria: ACMG Guidelines, 2015. Collection method: not provided. Allele origin: germline. Inheritance: Autosomal recessive inheritance. Affected: yes.